The following is an entry in ClinVar:

ClinVar aggregate classification (germline): Benign. Review status: criteria provided, multiple submitters, no conflicts (2 of 4 stars). 3 submissions from 3 submitters: Benign (3). Last evaluated 2023-11-12.

Conditions:
H syndrome. Also called: Histiocytosis with joint contractures and sensorineural deafness; HISTIOCYTOSIS AND LYMPHADENOPATHY WITH OR WITHOUT CUTANEOUS, CARDIAC, AND/OR ENDOCRINE FEATURES, JOINT CONTRACTURES, AND/OR DEAFNESS; HYPERPIGMENTATION, CUTANEOUS, WITH HYPERTRICHOSIS, HEPATOSPLENOMEGALY, HEART ANOMALIES, AND HYPOGONADISM WITH OR WITHOUT HEARING LOSS; PIGMENTED HYPERTRICHOSIS WITH INSULIN-DEPENDENT DIABETES MELLITUS; ROSAI-DORFMAN DISEASE, FAMILIAL; SINUS HISTIOCYTOSIS AND MASSIVE LYMPHADENOPATHY. Identifiers: Orphanet 168569, MedGen C1864445, MONDO:0011273, OMIM 602782.

Allele frequency attached by ClinVar (database versions not stated): TOPMed 0.10170; 1000 Genomes Project 30x 0.10946; gnomAD 0.09364 and 0.09665; 1000 Genomes Project 0.10763.
gnomAD v4.1: 150,888 of 1,497,850 alleles (10%); highest among the groups gnomAD compares: South Asian, 17%; 8,389 homozygotes.

Submissions (3):

Unidad de Genómica Garrahan, Hospital de Pediatría Garrahan
Classification: Benign. Last evaluated: 2023-11-12. Review status: criteria provided, single submitter. Criteria: ACMG Guidelines, 2015. Collection method: clinical testing. Allele origin: germline. Affected: no. Observed: 21 variant alleles.
Comment: This variant is classified as Benign based on local population frequency. This variant was detected in 22% of patients studied by a panel of primary immunodeficiencies. Number of patients: 21. Only high quality variants are reported.

Illumina Laboratory Services, Illumina
Classification: Benign for H syndrome. Last evaluated: 2018-01-12. Review status: criteria provided, single submitter. Criteria: ICSL Variant Classification Criteria 13 December 2019. Collection method: clinical testing. Allele origin: germline.
Comment: This variant was observed in the ICSL laboratory as part of a predisposition screen in an ostensibly healthy population. It had not been previously curated by ICSL or reported in the Human Gene Mutation Database (HGMD: prior to June 1st, 2018), and was therefore a candidate for classification through an automated scoring system. Utilizing variant allele frequency, disease prevalence and penetrance estimates, and inheritance mode, an automated score was calculated to assess if this variant is too frequent to cause the disease. Based on the score and internal cut-off values, a variant classified as benign is not then subjected to further curation. The score for this variant resulted in a classification of benign for this disease.

Breakthrough Genomics
Classification: Benign. Review status: criteria provided, single submitter. Criteria: ACMG Guidelines, 2015. Collection method: not provided. Allele origin: germline. Inheritance: Autosomal recessive inheritance. Affected: yes.

NM_018344.6(SLC29A3):c.*103G>T

Gene: SLC29A3 (solute carrier family 29 member 3; plus strand). Cytogenetic location: 10q22.1.
Variant type: single nucleotide variant.
Coding change: c.*103G>T on transcript NM_018344.6 (MANE Select); 103 bases downstream of the stop codon, G replaced by T.
Molecular consequence: 3 prime UTR variant. On other transcripts: non-coding transcript variant (2).
Genome position (GRCh38, 1-based): chr10:71,362,711, G>T. VCF-style: chr10-71362711-G-T. GRCh37 (hg19) VCF-style: chr10-73122468-G-T.
Other names: c.*760G>T (NM_001174098.2); c.*103G>T (NM_001363518.2).
Identifiers: ClinVar variation 300373 (VCV000300373.8), dbSNP rs780680, ClinGen allele CA5543216.